The following is an entry in ClinVar:

ClinVar aggregate classification (germline): Uncertain significance (1 of 4 stars; one submission).

Conditions:
Capillary malformation-arteriovenous malformation syndrome. Also called: Capillary malformation-arteriovenous malformation. Identifiers: Orphanet 137667, MedGen C1842180, MONDO:0012016.

Submission:

Labcorp Genetics (formerly Invitae), Labcorp
Classification: Uncertain significance for Capillary malformation-arteriovenous malformation syndrome. Last evaluated: 2023-07-21. Review status: criteria provided, single submitter. Criteria: Invitae Variant Classification Sherloc (09022015). Collection method: clinical testing. Allele origin: germline.
Comment: This sequence change replaces isoleucine, which is neutral and non-polar, with threonine, which is neutral and polar, at codon 696 of the RASA1 protein (p.Ile696Thr). This variant is not present in population databases (gnomAD no frequency). This variant has not been reported in the literature in individuals affected with RASA1-related conditions. ClinVar contains an entry for this variant (Variation ID: 1462052). An algorithm developed to predict the effect of missense changes on protein structure and function (PolyPhen-2) suggests that this variant is likely to be tolerated. In summary, the available evidence is currently insufficient to determine the role of this variant in disease. Therefore, it has been classified as a Variant of Uncertain Significance.

NM_002890.3(RASA1):c.2087T>C (p.Ile696Thr)

Genes: CCNH (cyclin H; minus strand), RASA1 (RAS p21 protein activator 1; plus strand). Cytogenetic location: 5q14.3.
Variant type: single nucleotide variant.
Coding change: c.2087T>C on transcript NM_002890.3 (MANE Select); coding-DNA position 2087, T replaced by C.
Protein change: p.Ile696Thr; replaces isoleucine 696 with threonine.
Molecular consequence: missense variant. On other transcripts: intron variant (1).
Genome position (GRCh38, 1-based): chr5:87,376,468, T>C. VCF-style: chr5-87376468-T-C. GRCh37 (hg19) VCF-style: chr5-86672285-T-C.
Other names: c.1556T>C, p.Ile519Thr (NM_022650.3); c.933+18576A>G (NM_001364075.2); short protein forms I519T, I696T.
Identifiers: ClinVar variation 1462052 (VCV001462052.6), dbSNP rs2112490891, ClinGen allele CA360378851.
Genomic context (GRCh38, chr5:87,376,468, plus strand): 5'-AGTTGAGCCGATTACAGAAAGGGCATGCCACAGATGAATGGTTTCTGCTCAGCTCCCATA[T>C]ACCATTAAAAGGTATTGAACCAGGGTCCCTGCGTGTTCGAGCACGATACTCTATGGAAAA-3'
Protein context (NP_002881.1, residues 686-706): TDEWFLLSSH[Ile696Thr]PLKGIEPGSL